The following is an entry in ClinVar:

ClinVar aggregate classification (germline): Uncertain significance. Review status: criteria provided, multiple submitters, no conflicts (2 of 4 stars). 5 submissions from 5 submitters: Uncertain significance (4). 1 of the submissions does not count toward it. Last evaluated 2025-11-20.

Conditions:
Inborn genetic diseases. Identifiers: MedGen C0950123, MeSH D030342.
BBS4-related disorder. Also called: BBS4-related condition.
Bardet-Biedl syndrome (BBS). Identifiers: Orphanet 110, MedGen C0752166, MONDO:0015229.
Bardet-Biedl syndrome 4 (BBS4). Identifiers: Orphanet 110, MedGen C2936864, MONDO:0014433, OMIM 615982.

Allele frequency attached by ClinVar (database versions not stated): ExAC 0.00001; gnomAD exomes 0.00001; gnomAD 0.00002 and 0.00003; TOPMed 0.00002.
gnomAD v4.1: 25 of 1,614,002 alleles (0.0015%); highest among the groups gnomAD compares: Middle Eastern, 0.049%; no homozygotes.

Submissions (5):

Ambry Genetics
Classification: Uncertain significance for Inborn genetic diseases. Last evaluated: 2025-11-20. Review status: criteria provided, single submitter. Criteria: Ambry Variant Classification Scheme 2023. Collection method: clinical testing. Allele origin: germline.

Labcorp Genetics (formerly Invitae), Labcorp
Classification: Uncertain significance for Bardet-Biedl syndrome. Last evaluated: 2024-10-16. Review status: criteria provided, single submitter. Criteria: Invitae Variant Classification Sherloc (09022015). Collection method: clinical testing. Allele origin: germline.
Comment: This sequence change replaces threonine, which is neutral and polar, with isoleucine, which is neutral and non-polar, at codon 92 of the BBS4 protein (p.Thr92Ile). This variant is present in population databases (rs761814377, gnomAD 0.003%). This variant has not been reported in the literature in individuals affected with BBS4-related conditions. ClinVar contains an entry for this variant (Variation ID: 317059). Invitae Evidence Modeling of protein sequence and biophysical properties (such as structural, functional, and spatial information, amino acid conservation, physicochemical variation, residue mobility, and thermodynamic stability) indicates that this missense variant is not expected to disrupt BBS4 protein function with a negative predictive value of 80%. In summary, the available evidence is currently insufficient to determine the role of this variant in disease. Therefore, it has been classified as a Variant of Uncertain Significance.

Fulgent Genetics
Classification: Uncertain significance for Bardet-Biedl syndrome 4. Last evaluated: 2024-06-11. Review status: criteria provided, single submitter. Criteria: ACMG Guidelines, 2015. Collection method: clinical testing. Allele origin: germline.

Illumina Laboratory Services, Illumina
Classification: Uncertain significance for Bardet-Biedl syndrome 4. Last evaluated: 2018-01-13. Review status: criteria provided, single submitter. Criteria: ICSL Variant Classification Criteria 13 December 2019. Collection method: clinical testing. Allele origin: germline.

PreventionGenetics, part of Exact Sciences
Classification: Uncertain significance for BBS4-related condition. Last evaluated: 2024-05-21. Review status: no assertion criteria provided. Collection method: clinical testing. Allele origin: germline. Not counted in ClinVar's aggregate classification.
Comment: The BBS4 c.275C>T variant is predicted to result in the amino acid substitution p.Thr92Ile. To our knowledge, this variant has not been reported in the literature. This variant is reported in 0.0033% of alleles in individuals of South Asian descent in gnomAD. At this time, the clinical significance of this variant is uncertain due to the absence of conclusive functional and genetic evidence.

NM_033028.5(BBS4):c.275C>T (p.Thr92Ile)

Gene: BBS4 (Bardet-Biedl syndrome 4; plus strand). Cytogenetic location: 15q24.1.
Variant type: single nucleotide variant.
Coding change: c.275C>T on transcript NM_033028.5 (MANE Select); coding-DNA position 275, C replaced by T.
Protein change: p.Thr92Ile; replaces threonine 92 with isoleucine.
Molecular consequence: missense variant. On other transcripts: 5 prime UTR variant (1), non-coding transcript variant (2).
Genome position (GRCh38, 1-based): chr15:72,715,345, C>T. VCF-style: chr15-72715345-C-T. GRCh37 (hg19) VCF-style: chr15-73007686-C-T.
Other names: c.275C>T (NM_033028.3); c.-247C>T (NM_001252678.2); c.275C>T, p.Thr92Ile (NM_001320665.2); short protein forms T92I.
Identifiers: ClinVar variation 317059 (VCV000317059.10), dbSNP rs761814377, ClinGen allele CA7646569.
Genomic context (GRCh38, chr15:72,715,345, plus strand): 5'-TGGCAGCATTGATATTTCGCCTAGAAGGAAATATCCAAGAATCCCTAGAACTCTTCCAGA[C>T]ATGTGCAGTTCTTAGTCCTCAGAGTGCTGATAACCTCAAGCAGGTGGCCAGATCTTTGTG-3'
Protein context (NP_149017.2, residues 82-102): NIQESLELFQ[Thr92Ile]CAVLSPQSAD